The following is an entry in ClinVar:

ClinVar aggregate classification (germline): Likely pathogenic (1 of 4 stars; one submission).

Conditions:
Methylmalonic aciduria, cblB type (MACB). Also called: Methylmalonic acidemia cblB type; METHYLMALONIC ACIDURIA, VITAMIN B12-RESPONSIVE, DUE TO DEFECT IN SYNTHESIS OF ADENOSYLCOBALAMIN, cblB TYPE; Vitamin B12-responsive methylmalonic acidemia type cblB. Identifiers: Orphanet 28, Orphanet 79311, MedGen C1855102, MONDO:0009614, OMIM 251110.

Submission:

Labcorp Genetics (formerly Invitae), Labcorp
Classification: Likely pathogenic for Methylmalonic aciduria, cblB type. Last evaluated: 2023-07-09. Review status: criteria provided, single submitter. Criteria: Invitae Variant Classification Sherloc (09022015). Collection method: clinical testing. Allele origin: germline.
Comment: This sequence change affects a donor splice site in intron 1 of the MMAB gene. It is expected to disrupt RNA splicing. Variants that disrupt the donor or acceptor splice site typically lead to a loss of protein function (PMID: 16199547), and loss-of-function variants in MMAB are known to be pathogenic (PMID: 15781192, 16410054). This variant is not present in population databases (gnomAD no frequency). This variant has not been reported in the literature in individuals affected with MMAB-related conditions. ClinVar contains an entry for this variant (Variation ID: 2028517). Algorithms developed to predict the effect of sequence changes on RNA splicing suggest that this variant may disrupt the consensus splice site. In summary, the currently available evidence indicates that the variant is pathogenic, but additional data are needed to prove that conclusively. Therefore, this variant has been classified as Likely Pathogenic.

Literature cited by the submitters: PubMed 16199547; PubMed 15781192; PubMed 16410054.

NM_052845.4(MMAB):c.134+2T>A

Genes: MMAB (metabolism of cobalamin associated B; minus strand), MVK (mevalonate kinase; plus strand). Cytogenetic location: 12q24.11.
Variant type: single nucleotide variant.
Coding change: c.134+2T>A on transcript NM_052845.4 (MANE Select); the canonical splice donor site of the intron after coding-DNA position 134, T replaced by A.
Molecular consequence: splice donor variant.
Genome position (GRCh38, 1-based): chr12:109,573,345, A>T on the plus strand (T>A on the coding strand, the complement: MMAB is on the minus strand). VCF-style: chr12-109573345-A-T. GRCh37 (hg19) VCF-style: chr12-110011150-A-T.
Identifiers: ClinVar variation 2028517 (VCV002028517.4), dbSNP rs1593008134, ClinGen allele CA386641095.